The following is an entry in ClinVar:

NM_000238.4(KCNH2):c.416G>C (p.Gly139Ala)

Gene: KCNH2 (potassium voltage-gated channel subfamily H member 2; minus strand). Cytogenetic location: 7q36.1.
Variant type: single nucleotide variant.
Coding change: c.416G>C on transcript NM_000238.4 (MANE Select); coding-DNA position 416, G replaced by C.
Protein change: p.Gly139Ala; replaces glycine 139 with alanine.
Molecular consequence: missense variant.
Genome position (GRCh38, 1-based): chr7:150,959,628, C>G on the plus strand (G>C on the coding strand, the complement: KCNH2 is on the minus strand). VCF-style: chr7-150959628-C-G. GRCh37 (hg19) VCF-style: chr7-150656716-C-G.
Other names: c.128G>C, p.Gly43Ala (NM_001406753.1, NM_001406756.1); c.239G>C, p.Gly80Ala (NM_001406755.1); c.116G>C, p.Gly39Ala (NM_001406757.1); c.416G>C, p.Gly139Ala (NM_172056.3); short protein forms G139A, G39A, G43A, G80A.
Identifiers: ClinVar variation 1018296 (VCV001018296.11), dbSNP rs1451114925, ClinGen allele CA369863697.

ClinVar aggregate classification (germline): Uncertain significance. Review status: criteria provided, multiple submitters, no conflicts (2 of 4 stars). 4 submissions from 4 submitters: Uncertain significance (4). Last evaluated 2026-05-14.

Conditions:
Cardiovascular phenotype. Identifiers: MedGen CN230736.
Cardiac arrhythmia. Also called: Arrhythmia; Cardiac rhythm disease. Identifiers: MedGen C0003811, MONDO:0007263, HP:0011675.
Long QT syndrome (LQTS). Identifiers: MedGen C0023976, MeSH D008133, MONDO:0002442. Disease mechanism: loss of function. Inheritance: Various modes of inheritance.

Allele frequency attached by ClinVar (database versions not stated): gnomAD exomes 0.00001; TOPMed below 0.00001.
gnomAD v4.1: 3 of 1,614,160 alleles (0.00019%); highest among the groups gnomAD compares: Admixed American, 0.005%; no homozygotes.

Submissions (4):

Ambry Genetics
Classification: Uncertain significance for Cardiovascular phenotype. Last evaluated: 2026-05-14. Review status: criteria provided, single submitter. Criteria: Ambry Variant Classification Scheme 2023. Collection method: clinical testing. Allele origin: germline.

Labcorp Genetics (formerly Invitae), Labcorp
Classification: Uncertain significance for Long QT syndrome. Last evaluated: 2024-11-30. Review status: criteria provided, single submitter. Criteria: Invitae Variant Classification Sherloc (09022015). Collection method: clinical testing. Allele origin: germline.
Comment: This sequence change replaces glycine, which is neutral and non-polar, with alanine, which is neutral and non-polar, at codon 139 of the KCNH2 protein (p.Gly139Ala). This variant is present in population databases (no rsID available, gnomAD 0.006%). This variant has not been reported in the literature in individuals affected with KCNH2-related conditions. ClinVar contains an entry for this variant (Variation ID: 1018296). An algorithm developed to predict the effect of missense changes on protein structure and function (PolyPhen-2) suggests that this variant¬†is likely to be tolerated. In summary, the available evidence is currently insufficient to determine the role of this variant in disease. Therefore, it has been classified as a Variant of Uncertain Significance.

Color Diagnostics, LLC DBA Color Health
Classification: Uncertain significance for Cardiac arrhythmia. Last evaluated: 2024-02-18. Review status: criteria provided, single submitter. Criteria: ACMG Guidelines, 2015. Collection method: clinical testing. Allele origin: germline.
Comment: This missense variant replaces glycine with alanine at codon 139 of the KCNH2 protein. Computational prediction suggests that this variant may not impact protein structure and function (internally defined REVEL score threshold <= 0.5, PMID: 27666373). To our knowledge, functional studies have not been reported for this variant. This variant has not been reported in individuals affected with KCNH2-related disorders in the literature. This variant has been identified in 3/251320 chromosomes in the general population by the Genome Aggregation Database (gnomAD). The available evidence is insufficient to determine the role of this variant in disease conclusively. Therefore, this variant is classified as a Variant of Uncertain Significance.

All of Us Research Program, National Institutes of Health
Classification: Uncertain significance for Long QT syndrome. Last evaluated: 2024-01-04. Review status: criteria provided, single submitter. Criteria: ACMG Guidelines, 2015. Collection method: clinical testing. Allele origin: germline. Inheritance: Autosomal dominant inheritance. Observed: 1 variant allele, 1 heterozygote.
Comment: This study involves interpretation of variants in research participants for the purpose of population health screening. Participant phenotype was not available at the time of variant classification. Additional details can be found in publication PMID: 35346344, PMCID: PMC8962531